The following is an entry in ClinVar:

NM_000069.3(CACNA1S):c.2654T>C (p.Leu885Pro)

Gene: CACNA1S (calcium voltage-gated channel subunit alpha1 S; minus strand). Cytogenetic location: 1q32.1.
Variant type: single nucleotide variant.
Coding change: c.2654T>C on transcript NM_000069.3 (MANE Select); coding-DNA position 2654, T replaced by C.
Protein change: p.Leu885Pro; replaces leucine 885 with proline.
Molecular consequence: missense variant.
Genome position (GRCh38, 1-based): chr1:201,066,890, A>G on the plus strand (T>C on the coding strand, the complement: CACNA1S is on the minus strand). VCF-style: chr1-201066890-A-G. GRCh37 (hg19) VCF-style: chr1-201036018-A-G.
Other names: short protein forms L885P.
Identifiers: ClinVar variation 4082266 (VCV004082266.1).

ClinVar aggregate classification (germline): Uncertain significance (1 of 4 stars; one submission).

Conditions:
Malignant hyperthermia, susceptibility to, 1 (MHS1). Also called: RYR1-Related Malignant Hyperthermia Susceptibility; Malignant hyperthermia suceptibility 1; Anesthesia related hyperthermia; Malignant hyperpyrexia; Fulminating hyperpyrexia; Pharmacogenic myopathy. Identifiers: Orphanet 423, MedGen C2930980, MONDO:0007783, OMIM 145600.

gnomAD v4.1: 2 of 1,611,654 alleles (0.00012%); highest among the groups gnomAD compares: South Asian, 0.0022%; no homozygotes.

Submission:

Leeds Institute of Medical Research, University of Leeds
Classification: Uncertain significance for Malignant hyperthermia, susceptibility to, 1. Review status: criteria provided, single submitter. Criteria: Johnston et al. (Hum Mol Genet. 2022). Collection method: research. Allele origin: germline. Inheritance: Autosomal dominant inheritance. Affected: yes. Observed: 1 variant allele, 1 heterozygote.
Comment: ACMG/AMP PP3 the CADD_PHRED score was 24.9. PM2 the missense variant was present in a single MH susceptible individual from the n=100 MH susceptible individuals tested, and absent from the n=25 MH normal controls and UK Biobank. Segregation analysis was not possible due to absence of other family members. It was present in a gene that has two missense variants that are used diagnostically, one of which is located in a transmembrane region. This variant although in a transmembrane motif, was in a different part of the protein seqeunce. From this evidence the variant is classified as uncertain significance.